The following is an entry in ClinVar:

NM_002474.3(MYH11):c.1824T>A (p.Asn608Lys)

Gene: MYH11 (myosin heavy chain 11; minus strand). Cytogenetic location: 16p13.11.
Variant type: single nucleotide variant.
Coding change: c.1824T>A on transcript NM_002474.3 (MANE Select); coding-DNA position 1824, T replaced by A.
Protein change: p.Asn608Lys; replaces asparagine 608 with lysine.
Molecular consequence: missense variant.
Genome position (GRCh38, 1-based): chr16:15,753,434, A>T on the plus strand (T>A on the coding strand, the complement: MYH11 is on the minus strand). VCF-style: chr16-15753434-A-T. GRCh37 (hg19) VCF-style: chr16-15847291-A-T.
Other names: c.1845T>A, p.Asn615Lys (NM_001040113.2, NM_001040114.2); c.1824T>A, p.Asn608Lys (NM_022844.3); short protein forms N608K, N615K.
Identifiers: ClinVar variation 3071156 (VCV003071156.1), dbSNP rs2041627821, ClinGen allele CA394869349.

ClinVar aggregate classification (germline): Uncertain significance (1 of 4 stars; one submission).

Conditions:
Familial thoracic aortic aneurysm and aortic dissection (TAAD). Also called: Thoracic aortic aneurysms and dissections. Identifiers: Orphanet 91387, MedGen C4707243, MONDO:0019625.

Allele frequency attached by ClinVar (database versions not stated): gnomAD exomes below 0.00001; gnomAD 0.00001.
gnomAD v4.1: 2 of 1,614,142 alleles (0.00012%); highest among the groups gnomAD compares: East Asian, 0.0045%; no homozygotes.

Submission:

All of Us Research Program, National Institutes of Health
Classification: Uncertain significance for Familial thoracic aortic aneurysm and aortic dissection. Last evaluated: 2023-05-31. Review status: criteria provided, single submitter. Criteria: ACMG Guidelines, 2015. Collection method: clinical testing. Allele origin: germline. Inheritance: Autosomal dominant inheritance. Observed: 1 variant allele, 1 heterozygote.
Comment: This study involves interpretation of variants in research participants for the purpose of population health screening. Participant phenotype was not available at the time of variant classification. Additional details can be found in publication PMID: 35346344, PMCID: PMC8962531